The following is an entry in ClinVar:

ClinVar aggregate classification (germline): Likely benign (1 of 4 stars; one submission).

Allele frequency attached by ClinVar (database versions not stated): gnomAD exomes 0.00001; ExAC 0.00004; TOPMed 0.00011; gnomAD 0.00007.
gnomAD v4.1: 25 of 1,610,774 alleles (0.0016%); highest among the groups gnomAD compares: African/African-American, 0.019%; no homozygotes.

Submission:

CeGaT Center for Human Genetics Tuebingen
Classification: Likely benign. Last evaluated: 2023-05-01. Review status: criteria provided, single submitter. Criteria: CeGaT Center For Human Genetics Tuebingen Variant Classification Criteria Version 2. Collection method: clinical testing. Allele origin: germline. Affected: yes. Observed: 1 variant allele.
Comment: CKAP2L: BP4, BP7

NM_152515.5(CKAP2L):c.1839T>C (p.Ser613=)

Genes: CKAP2L (cytoskeleton associated protein 2L; minus strand), NT5DC4 (5'-nucleotidase domain containing 4; plus strand). Cytogenetic location: 2q14.1.
Variant type: single nucleotide variant.
Coding change: c.1839T>C on transcript NM_152515.5 (MANE Select); coding-DNA position 1839, T replaced by C.
Protein change: p.Ser613=; no amino-acid change (serine 613 retained).
Molecular consequence: synonymous variant. On other transcripts: non-coding transcript variant (1), intron variant (1).
Genome position (GRCh38, 1-based): chr2:112,740,991, A>G on the plus strand (T>C on the coding strand, the complement: CKAP2L is on the minus strand). VCF-style: chr2-112740991-A-G. GRCh37 (hg19) VCF-style: chr2-113498568-A-G.
Other names: c.1344T>C, p.Ser448= (NM_001304361.2); c.1249-1421A>G (NM_001350494.2).
Identifiers: ClinVar variation 2651285 (VCV002651285.22), dbSNP rs766132076, ClinGen allele CA1836527.